The following is an entry in ClinVar:

ClinVar aggregate classification (germline): Uncertain significance (1 of 4 stars; one submission).

Conditions:
Cardiovascular phenotype. Identifiers: MedGen CN230736.

Submission:

Ambry Genetics
Classification: Uncertain significance for Cardiovascular phenotype. Last evaluated: 2025-07-09. Review status: criteria provided, single submitter. Criteria: Ambry Variant Classification Scheme 2023. Collection method: clinical testing. Allele origin: germline.
Comment: The p.Q247R variant (also known as c.740A>G), located in coding exon 7 of the MAP2K2 gene, results from an A to G substitution at nucleotide position 740. The glutamine at codon 247 is replaced by arginine, an amino acid with highly similar properties. This amino acid position is conserved. In addition, this alteration is predicted to be deleterious by in silico analysis. Based on the available evidence, the clinical significance of this variant remains unclear.

NM_030662.4(MAP2K2):c.740A>G (p.Gln247Arg)

Gene: MAP2K2 (mitogen-activated protein kinase kinase 2; minus strand). Cytogenetic location: 19p13.3.
Variant type: single nucleotide variant.
Coding change: c.740A>G on transcript NM_030662.4 (MANE Select); coding-DNA position 740, A replaced by G.
Protein change: p.Gln247Arg; replaces glutamine 247 with arginine.
Molecular consequence: missense variant. On other transcripts: intron variant (1).
Genome position (GRCh38, 1-based): chr19:4,099,380, T>C on the plus strand (A>G on the coding strand, the complement: MAP2K2 is on the minus strand). VCF-style: chr19-4099380-T-C. GRCh37 (hg19) VCF-style: chr19-4099378-T-C.
Other names: c.170A>G, p.Gln57Arg (NM_001440689.1); c.705+1639A>G (NM_001440688.1); short protein forms Q247R, Q57R.
Identifiers: ClinVar variation 4103131 (VCV004103131.1).